The following is an entry in ClinVar:

NM_001128148.3(TFRC):c.1468+77G>A

Gene: TFRC (transferrin receptor; minus strand). Cytogenetic location: 3q29.
Variant type: single nucleotide variant.
Coding change: c.1468+77G>A on transcript NM_001128148.3 (MANE Select); 77 bases into the intron after coding-DNA position 1468, G replaced by A.
Molecular consequence: intron variant.
Genome position (GRCh38, 1-based): chr3:196,062,505, C>T on the plus strand (G>A on the coding strand, the complement: TFRC is on the minus strand). VCF-style: chr3-196062505-C-T. GRCh37 (hg19) VCF-style: chr3-195789376-C-T.
Other names: c.622+77G>A (NM_001313966.2); c.1225+77G>A (NM_001313965.2); c.1468+77G>A (NM_003234.4).
Identifiers: ClinVar variation 1268321 (VCV001268321.4), dbSNP rs526860, ClinGen allele CA11464359.

ClinVar aggregate classification (germline): Benign. Review status: criteria provided, multiple submitters, no conflicts (2 of 4 stars). 3 submissions from 3 submitters: Benign (3). Last evaluated 2023-11-12.

Allele frequency attached by ClinVar (database versions not stated): 1000 Genomes Project 30x 0.12804; 1000 Genomes Project 0.12919; TOPMed 0.17922; gnomAD 0.18540 and 0.18728; gnomAD exomes 0.22463.
gnomAD v4.1: 292,718 of 1,332,250 alleles (22%); highest among the groups gnomAD compares: Non-Finnish European, 24%; 34,446 homozygotes.

Submissions (3):

Unidad de Genómica Garrahan, Hospital de Pediatría Garrahan
Classification: Benign. Last evaluated: 2023-11-12. Review status: criteria provided, single submitter. Criteria: ACMG Guidelines, 2015. Collection method: clinical testing. Allele origin: germline. Affected: no. Observed: 30 variant alleles.
Comment: This variant is classified as Benign based on local population frequency. This variant was detected in 31% of patients studied by a panel of primary immunodeficiencies. Number of patients: 30. Only high quality variants are reported.

GeneDx
Classification: Benign. Last evaluated: 2021-06-19. Review status: criteria provided, single submitter. Criteria: GeneDx Variant Classification Process June 2021. Collection method: clinical testing. Allele origin: germline. Affected: yes.

Breakthrough Genomics
Classification: Benign. Review status: criteria provided, single submitter. Criteria: ACMG Guidelines, 2015. Collection method: not provided. Allele origin: germline. Inheritance: Autosomal recessive inheritance. Affected: yes.